The following is an entry in ClinVar:

ClinVar aggregate classification (germline): Uncertain significance. Review status: criteria provided, multiple submitters, no conflicts (2 of 4 stars). 2 submissions from 2 submitters: Uncertain significance (2). Last evaluated 2023-12-31.

Conditions:
Hereditary cancer-predisposing syndrome. Also called: Neoplastic Syndromes, Hereditary; Hereditary Cancer Syndrome; Tumor predisposition; Hereditary neoplastic syndrome. Identifiers: Orphanet 140162, MedGen C0027672, MeSH D009386, MONDO:0015356.
Gorlin syndrome. Also called: Nevoid Basal Cell Carcinoma Syndrome; Basal cell nevus syndrome. Identifiers: Orphanet 377, MedGen C0004779, MONDO:0007187.

Submissions (2):

Labcorp Genetics (formerly Invitae), Labcorp
Classification: Uncertain significance for Gorlin syndrome. Last evaluated: 2023-12-31. Review status: criteria provided, single submitter. Criteria: Invitae Variant Classification Sherloc (09022015). Collection method: clinical testing. Allele origin: germline.
Comment: This sequence change replaces valine, which is neutral and non-polar, with alanine, which is neutral and non-polar, at codon 1429 of the PTCH1 protein (p.Val1429Ala). This variant is not present in population databases (gnomAD no frequency). This variant has not been reported in the literature in individuals affected with PTCH1-related conditions. ClinVar contains an entry for this variant (Variation ID: 2564363). Advanced modeling of protein sequence and biophysical properties (such as structural, functional, and spatial information, amino acid conservation, physicochemical variation, residue mobility, and thermodynamic stability) performed at Invitae indicates that this missense variant is not expected to disrupt PTCH1 protein function with a negative predictive value of 95%. In summary, the available evidence is currently insufficient to determine the role of this variant in disease. Therefore, it has been classified as a Variant of Uncertain Significance.

Ambry Genetics
Classification: Uncertain significance for Hereditary cancer-predisposing syndrome. Last evaluated: 2023-03-29. Review status: criteria provided, single submitter. Criteria: Ambry Variant Classification Scheme 2023. Collection method: clinical testing. Allele origin: germline.
Comment: The p.V1429A variant (also known as c.4286T>C), located in coding exon 23 of the PTCH1 gene, results from a T to C substitution at nucleotide position 4286. The valine at codon 1429 is replaced by alanine, an amino acid with similar properties. This amino acid position is conserved. In addition, this alteration is predicted to be tolerated by in silico analysis. Since supporting evidence is limited at this time, the clinical significance of this alteration remains unclear.

NM_000264.5(PTCH1):c.4286T>C (p.Val1429Ala)

Gene: PTCH1 (patched 1; minus strand). Cytogenetic location: 9q22.32.
Variant type: single nucleotide variant.
Coding change: c.4286T>C on transcript NM_000264.5 (MANE Select); coding-DNA position 4286, T replaced by C.
Protein change: p.Val1429Ala; replaces valine 1429 with alanine.
Molecular consequence: missense variant. On other transcripts: non-coding transcript variant (1).
Genome position (GRCh38, 1-based): chr9:95,446,970, A>G on the plus strand (T>C on the coding strand, the complement: PTCH1 is on the minus strand). VCF-style: chr9-95446970-A-G. GRCh37 (hg19) VCF-style: chr9-98209252-A-G.
Other names: c.4088T>C, p.Val1363Ala (NM_001083602.3); c.4283T>C, p.Val1428Ala (NM_001083603.3); c.3833T>C, p.Val1278Ala (NM_001083604.3, NM_001083605.3, NM_001083606.3 and 1 more transcripts); c.4130T>C, p.Val1377Ala (NM_001354918.2); short protein forms V1363A, V1429A, V1278A, V1377A, V1428A.
Identifiers: ClinVar variation 2564363 (VCV002564363.5), dbSNP rs2136571358, ClinGen allele CA374109953.
Genomic context (GRCh38, chr9:95,446,970, plus strand): 5'-CCTCAGTTGGAGCTGCTTCCCCGGGGCCTCTCCTCGCATTCCACGTCCTGCAGCTCAATG[A>G]CTTCCACCTTCGAATCCCTCCTCTCACACCGGACGTGGAAAGGCACGTGGGGGTCCTCAA-3'
Protein context (NP_000255.2, residues 1419-1439): RCERRDSKVE[Val1429Ala]IELQDVECEE